The following is an entry in ClinVar:

NM_000377.3(WAS):c.280C>T (p.Arg94Trp)

Gene: WAS (WASP actin nucleation promoting factor; plus strand). Cytogenetic location: Xp11.23.
Variant type: single nucleotide variant.
Coding change: c.280C>T on transcript NM_000377.3 (MANE Select); coding-DNA position 280, C replaced by T.
Protein change: p.Arg94Trp; replaces arginine 94 with tryptophan.
Molecular consequence: missense variant.
Genome position (GRCh38, 1-based): chrX:48,685,553, C>T. VCF-style: chrX-48685553-C-T. GRCh37 (hg19) VCF-style: chrX-48543942-C-T.
Other names: short protein forms R94W.
Identifiers: ClinVar variation 2160312 (VCV002160312.4), dbSNP rs782716215, ClinGen allele CA329100664.

ClinVar aggregate classification (germline): Uncertain significance (1 of 4 stars; one submission).

Conditions:
X-linked severe congenital neutropenia (SCNX). Identifiers: Orphanet 86788, MedGen C1845987, MONDO:0010294, OMIM 300299.
Thrombocytopenia 1. Also called: X-Linked Thrombocytopenia (XLT); THROMBOCYTOPENIA, X-LINKED, 1; X-linked thrombocytopenia with normal platelets. Identifiers: Orphanet 268322, Orphanet 852, MedGen C1839163, MONDO:0010743, OMIM 313900.
Wiskott-Aldrich syndrome (WAS). Also called: Wiskott-aldrich syndrome, somatic; ALDRICH SYNDROME; IMMUNODEFICIENCY 2; WISKOTT-ALDRICH SYNDROME 1. Identifiers: Orphanet 906, MedGen C0043194, MONDO:0010518, OMIM 301000.

Allele frequency attached by ClinVar (database versions not stated): gnomAD exomes below 0.00001.
gnomAD v4.1: 2 of 1,196,354 alleles (0.00017%); highest among the groups gnomAD compares: Non-Finnish European, 0.00023%; no homozygotes.

Submission:

Labcorp Genetics (formerly Invitae), Labcorp
Classification: Uncertain significance for Wiskott-Aldrich syndrome; X-linked severe congenital neutropenia; Thrombocytopenia 1. Last evaluated: 2023-11-08. Review status: criteria provided, single submitter. Criteria: Invitae Variant Classification Sherloc (09022015). Collection method: clinical testing. Allele origin: germline.
Comment: This sequence change replaces arginine, which is basic and polar, with tryptophan, which is neutral and slightly polar, at codon 94 of the WAS protein (p.Arg94Trp). This variant is not present in population databases (gnomAD no frequency). This missense change has been observed in individual(s) with Wiskott-Aldrich syndrome (PMID: 34098853). ClinVar contains an entry for this variant (Variation ID: 2160312). Advanced modeling of protein sequence and biophysical properties (such as structural, functional, and spatial information, amino acid conservation, physicochemical variation, residue mobility, and thermodynamic stability) has been performed at Invitae for this missense variant, however the output from this modeling did not meet the statistical confidence thresholds required to predict the impact of this variant on WAS protein function. In summary, the available evidence is currently insufficient to determine the role of this variant in disease. Therefore, it has been classified as a Variant of Uncertain Significance.

Literature cited by the submitters: PubMed 34098853.